The following is an entry in ClinVar:

NM_000051.4(ATM):c.7249del (p.Leu2416_Leu2417insTer)

Genes: ATM (ATM serine/threonine kinase; plus strand), C11orf65 (chromosome 11 open reading frame 65; minus strand). Cytogenetic location: 11q22.3.
Variant type: Deletion.
Coding change: c.7249del on transcript NM_000051.4 (MANE Select); coding-DNA position 7249, one base deleted (C; older notation c.7249delC).
Protein change: p.Leu2416_Leu2417insTer.
Molecular consequence: nonsense. On other transcripts: intron variant (2).
Genome position (GRCh38, 1-based): chr11:108,329,180, C deleted; the last of 2 consecutive C bases (chr11:108,329,179-108,329,180); deleting either gives the same sequence. VCF-style (leftmost placement, unchanged base first): chr11-108329178-TC-T. GRCh37 (hg19) VCF-style: chr11-108199905-TC-T.
Other names: c.7249del, p.Leu2416_Leu2417insTer (NM_001351834.2); c.641-20108del (NM_001330368.2); c.*38+6041del (NM_001351110.2).
Identifiers: ClinVar variation 2017203 (VCV002017203.4), dbSNP rs2547249994, ClinGen allele CA2580083330.

ClinVar aggregate classification (germline): Pathogenic (1 of 4 stars; one submission).

Conditions:
Ataxia-telangiectasia syndrome (AT). Also called: Ataxia-telangiectasia, complementation group D; AT, COMPLEMENTATION GROUP C; ATAXIA-TELANGIECTASIA, COMPLEMENTATION GROUP A; ATAXIA-TELANGIECTASIA, FRESNO VARIANT; Ataxia-telangiectasia, complementation group E; LOUIS-BAR SYNDROME. Identifiers: Orphanet 100, MedGen C0004135, MONDO:0008840, OMIM 208900.

Submission:

Labcorp Genetics (formerly Invitae), Labcorp
Classification: Pathogenic for Ataxia-telangiectasia syndrome. Last evaluated: 2022-07-14. Review status: criteria provided, single submitter. Criteria: Invitae Variant Classification Sherloc (09022015). Collection method: clinical testing. Allele origin: germline.
Comment: For these reasons, this variant has been classified as Pathogenic. This variant has not been reported in the literature in individuals affected with ATM-related conditions. This variant is not present in population databases (gnomAD no frequency). This sequence change creates a premature translational stop signal (p.Leu2417*) in the ATM gene. It is expected to result in an absent or disrupted protein product. Loss-of-function variants in ATM are known to be pathogenic (PMID: 23807571, 25614872).

Literature cited by the submitters: PubMed 23807571; PubMed 25614872.